The following is an entry in ClinVar:

NM_031407.7(HUWE1):c.2165C>A (p.Ala722Glu)

Gene: HUWE1 (HECT, UBA and WWE domain containing E3 ubiquitin protein ligase 1; minus strand). Cytogenetic location: Xp11.22.
Variant type: single nucleotide variant.
Coding change: c.2165C>A on transcript NM_031407.7 (MANE Select); coding-DNA position 2165, C replaced by A.
Protein change: p.Ala722Glu; replaces alanine 722 with glutamic acid.
Molecular consequence: missense variant.
Genome position (GRCh38, 1-based): chrX:53,614,630, G>T on the plus strand (C>A on the coding strand, the complement: HUWE1 is on the minus strand). VCF-style: chrX-53614630-G-T. GRCh37 (hg19) VCF-style: chrX-53641591-G-T.
Other names: short protein forms A722E.
Identifiers: ClinVar variation 1198822 (VCV001198822.2), dbSNP rs2148818485, ClinGen allele CA413144903.
Genomic context (GRCh38, chrX:53,614,630, plus strand): 5'-TTAAAGCTCTGCATGGCCTGTACTTCCTCTTCCTCCTCATCCTCACTAGAGGCTTCTTCT[G>T]CGGCATGATTAGACCTTGGGGGAGGAGCAGTGGCAGTGCCATCTGCCTTCTGGATTGATG-3'
Protein context (NP_113584.3, residues 712-732): TAPPPRSNHA[Ala722Glu]EEASSEDEEE

ClinVar aggregate classification (germline): Uncertain significance (1 of 4 stars; one submission).

gnomAD v4.1: 2 of 1,208,946 alleles (0.00017%); highest among the groups gnomAD compares: Non-Finnish European, 0.00022%; no homozygotes.

Submission:

GeneDx
Classification: Uncertain significance. Last evaluated: 2019-12-31. Review status: criteria provided, single submitter. Criteria: GeneDx Variant Classification Process June 2021. Collection method: clinical testing. Allele origin: germline. Affected: yes.
Comment: Not observed in large population cohorts (Lek et al., 2016); In silico analysis, which includes protein predictors and evolutionary conservation, supports that this variant does not alter protein structure/function; Has not been previously published as pathogenic or benign to our knowledge